The following is an entry in ClinVar:

NM_001126108.2(SLC12A3):c.671C>A (p.Ala224Asp)

Gene: SLC12A3 (solute carrier family 12 member 3; plus strand). Cytogenetic location: 16q13.
Variant type: single nucleotide variant.
Coding change: c.671C>A on transcript NM_001126108.2 (MANE Select); coding-DNA position 671, C replaced by A.
Protein change: p.Ala224Asp; replaces alanine 224 with aspartic acid.
Molecular consequence: missense variant.
Genome position (GRCh38, 1-based): chr16:56,870,165, C>A. VCF-style: chr16-56870165-C-A. GRCh37 (hg19) VCF-style: chr16-56904077-C-A.
Other names: c.671C>A, p.Ala224Asp (NM_000339.3); c.668C>A, p.Ala223Asp (NM_001126107.2); short protein forms A223D, A224D.
Identifiers: ClinVar variation 1684156 (VCV001684156.3), dbSNP rs1437937060, ClinGen allele CA395981927.

ClinVar aggregate classification (germline): Conflicting classifications of pathogenicity. Review status: criteria provided, conflicting classifications (1 of 4 stars). 2 submissions from 2 submitters: Likely pathogenic (1); Uncertain significance (1). Last evaluated 2022-04-27.

Conditions:
Familial hypokalemia-hypomagnesemia (GTLMNS). Also called: gitelman syndrome; HYPOMAGNESEMIA-HYPOKALEMIA, PRIMARY RENOTUBULAR, WITH HYPOCALCIURIA; POTASSIUM AND MAGNESIUM DEPLETION. Identifiers: Orphanet 358, MedGen C0268450, MONDO:0009904, OMIM 263800.

gnomAD v4.1: 1 of 1,614,108 alleles (0.000062%); highest among the groups gnomAD compares: Non-Finnish European, 0.000085%; no homozygotes.

Submissions (2):

European Hospital Georges Pompidou Genetics Department, Assistance Publique - Hôpitaux de Paris AP-HP
Classification: Likely pathogenic for Familial hypokalemia-hypomagnesemia. Last evaluated: 2022-04-27. Review status: criteria provided, single submitter. Criteria: ACMG Guidelines, 2015. Collection method: clinical testing. Allele origin: germline. Affected: yes.
Comment: ACMG criteria used:PM1 PM2 PP3 PP5

MGZ Medical Genetics Center
Classification: Uncertain significance for Familial hypokalemia-hypomagnesemia. Last evaluated: 2022-02-23. Review status: criteria provided, single submitter. Criteria: ACMG Guidelines, 2015. Collection method: clinical testing. Allele origin: germline. Affected: yes. Observed: 1 variant allele.
Comment: ACMG criteria applied: PM2_SUP, PP3